The following is an entry in ClinVar:

NM_000834.5(GRIN2B):c.2060C>A (p.Pro687His)

Gene: GRIN2B (glutamate ionotropic receptor NMDA type subunit 2B; minus strand). Cytogenetic location: 12p13.1.
Variant type: single nucleotide variant.
Coding change: c.2060C>A on transcript NM_000834.5 (MANE Select); coding-DNA position 2060, C replaced by A.
Protein change: p.Pro687His; replaces proline 687 with histidine.
Molecular consequence: missense variant.
Genome position (GRCh38, 1-based): chr12:13,571,915, G>T on the plus strand (C>A on the coding strand, the complement: GRIN2B is on the minus strand). VCF-style: chr12-13571915-G-T. GRCh37 (hg19) VCF-style: chr12-13724849-G-T.
Other names: c.2060C>A, p.Pro687His (NM_001413992.1); short protein forms P687H.
Identifiers: ClinVar variation 3377635 (VCV003377635.1).

ClinVar aggregate classification (germline): Uncertain significance (1 of 4 stars; one submission).

Conditions:
Intellectual developmental disorder, autosomal dominant 6, with or without seizures. Also called: Intellectual disability, autosomal dominant 6; GRIN2B-related developmental delay, intellectual disability and autism spectrum disorder. Identifiers: Orphanet 589547, MedGen C3151411, MONDO:0013509, OMIM 613970.

Submission:

Neuberg Centre For Genomic Medicine, NCGM
Classification: Uncertain significance for Intellectual developmental disorder, autosomal dominant 6, with or without seizures. Last evaluated: 2023-06-22. Review status: criteria provided, single submitter. Criteria: ACMG Guidelines, 2015. Collection method: clinical testing. Allele origin: germline. Inheritance: Autosomal dominant inheritance. Affected: yes.
Comment: The observed missense c.2060C>A(p.Pro687His) variant in GRIN2B gene has not been reported previously as a pathogenic variant nor a benign variant, to our knowledge. The p.Pro687His variant is absent in gnomAD Exomes. This variant has not been submitted to the ClinVar database. Multiple lines of computational evidences (Polyphen - Probably damaging, SIFT - Damaging and MutationTaster - Disease causing) predict a damaging effect on protein structure and function for this variant. The reference amino acid change at this position on GRIN2B gene is predicted as conserved by GERP++ and PhyloP across 100 vertebrates. The amino acid Pro at position 687 is changed to a His changing protein sequence and it might alter its composition and physico-chemical properties. Other missense variants [c.2060C>G (p.Pro687Arg) & c.2060C>T (p.Pro687Leu)] on the same residue of this gene have previously been reported to be disease causing (Platzer K, et al., 2017), suggesting that this residue might be of clinical significance. Additional functional studies will be required to the pathogencity of c.2060C>A (p.Pro687His) variant conclusively. For these reasons, this variant has been classified as a Variant of Uncertain Significance (VUS).